The following is an entry in ClinVar:

NM_001378454.1(ALMS1):c.2179CAA[1] (p.Gln728del)

Gene: ALMS1 (ALMS1 centrosome and basal body associated protein; plus strand). Cytogenetic location: 2p13.1.
Variant type: Microsatellite.
Coding change: c.2179CAA[1] on transcript NM_001378454.1 (MANE Select); one copy of the 3-base unit CAA starting at c.2179; the reference has two copies in a row; one copy, 3 bases deleted.
Protein change: p.Gln728del; deletes glutamine 728.
Molecular consequence: inframe deletion.
Genome position (GRCh38, 1-based): chr2:73,448,709-73,448,711, CAA deleted; deleting any 3 consecutive bases within chr2:73,448,706-73,448,711 gives the same sequence; the position shown is the placement nearest the transcript's 3' end. VCF-style (leftmost placement, unchanged base first): chr2-73448705-CCAA-C. GRCh37 (hg19) VCF-style: chr2-73675832-CCAA-C.
Other names: c.2185_2187delCAA (NM_015120.4); c.2185_2187del (NM_015120.4); c.2182CAA[1], p.Gln729del (NM_015120.4); short protein forms Q729del, Q728del.
Identifiers: ClinVar variation 556458 (VCV000556458.3), dbSNP rs1553403420, ClinGen allele CA658823022.
Genomic context (GRCh38, chr2:73,448,705, plus strand): 5'-TGGGACAGCAACAGTACTCTCTACTCCCCACTCACATAGAGAGAAGCCTGGTATTTTTTA[CCAA>C]CAAGAGTTCGCAGACAGTCATCAAACTGAAGAGACTCTTACTAAAGTTTCAGCCACTCCT-3'

ClinVar aggregate classification (germline): Uncertain significance. Review status: criteria provided, single submitter (1 of 4 stars). 2 submissions from 2 submitters: Uncertain significance (1). 1 of the submissions does not count toward it. Last evaluated 2023-12-28.

Conditions:
Alstrom syndrome (ALMS). Identifiers: Orphanet 64, MedGen C0268425, MONDO:0008763, OMIM 203800.

Submissions (2):

GeneDx
Classification: Uncertain significance. Last evaluated: 2023-12-28. Review status: criteria provided, single submitter. Criteria: GeneDx Variant Classification Process June 2021. Collection method: clinical testing. Allele origin: germline. Affected: yes.
Comment: Not observed at significant frequency in large population cohorts (gnomAD); In-frame deletion of 1 amino acid in a non-repeat region; In silico analysis supports that this variant does not alter protein structure/function; Has not been previously published as pathogenic or benign to our knowledge

Counsyl
Classification: Uncertain significance for Alstrom syndrome. Last evaluated: 2018-01-31. Review status: no assertion criteria provided. Collection method: clinical testing. Allele origin: unknown. Not counted in ClinVar's aggregate classification.